The following is an entry in ClinVar:

NM_001375380.1(EBF3):c.652A>G (p.Thr218Ala)

Gene: EBF3 (EBF transcription factor 3; minus strand). Cytogenetic location: 10q26.3.
Variant type: single nucleotide variant.
Coding change: c.652A>G on transcript NM_001375380.1 (MANE Select); coding-DNA position 652, A replaced by G.
Protein change: p.Thr218Ala; replaces threonine 218 with alanine.
Molecular consequence: missense variant.
Genome position (GRCh38, 1-based): chr10:129,873,581, T>C on the plus strand (A>G on the coding strand, the complement: EBF3 is on the minus strand). VCF-style: chr10-129873581-T-C. GRCh37 (hg19) VCF-style: chr10-131671845-T-C.
Other names: c.652A>G, p.Thr218Ala (NM_001005463.3, NM_001375379.1, NM_001375389.1 and 3 more transcripts); short protein forms T218A.
Identifiers: ClinVar variation 4856295 (VCV004856295.1).

ClinVar aggregate classification (germline): Uncertain significance (1 of 4 stars; one submission).

Conditions:
Hypotonia, ataxia, and delayed development syndrome (HADDS). Also called: EBF3 Neurodevelopmental Disorder. Identifiers: Orphanet 658843, MedGen C4310618, MONDO:0015021, OMIM 617330.

Submission:

3billion
Classification: Uncertain significance for Hypotonia, ataxia, and delayed development syndrome. Last evaluated: 2025-10-15. Review status: criteria provided, single submitter. Criteria: ACMG Guidelines, 2015. Collection method: clinical testing. Allele origin: germline. Affected: yes.
Comment: The variant is not observed in the gnomAD v4.1.0 dataset. Predicted Consequence/Location: Missense variant In silico tool predictions suggest damaging effect of the variant on gene or gene product [3Cnet: 0.99 (> 0.75, sensitivity 0.96 and precision 0.92)]. Different missense changes at the same codon have been reported as of uncertain significance (ClinVar ID: VCV003765930). However, the evidence of pathogenicity is insufficient at this time. Therefore, this variant is classified as VUS according to the recommendation of ACMG/AMP guideline.